The following is an entry in ClinVar:

ClinVar aggregate classification (germline): Pathogenic (1 of 4 stars; one submission).

Conditions:
Immunodeficiency 23 (IMD23). Also called: IMMUNODEFICIENCY-VASCULITIS-MYOCLONUS SYNDROME; IMMUNODEFICIENCY WITH HYPER IgE AND COGNITIVE IMPAIRMENT. Identifiers: Orphanet 443811, MedGen C4014371, MONDO:0014353, OMIM 615816.

Submission:

Labcorp Genetics (formerly Invitae), Labcorp
Classification: Pathogenic for Immunodeficiency 23. Last evaluated: 2024-10-24. Review status: criteria provided, single submitter. Criteria: Invitae Variant Classification Sherloc (09022015). Collection method: clinical testing. Allele origin: germline.
Comment: This sequence change creates a premature translational stop signal (p.Ile169Asnfs*13) in the PGM3 gene. It is expected to result in an absent or disrupted protein product. Loss-of-function variants in PGM3 are known to be pathogenic (PMID: 17548465, 24589341, 24931394). This variant is not present in population databases (gnomAD no frequency). This variant has not been reported in the literature in individuals affected with PGM3-related conditions. ClinVar contains an entry for this variant (Variation ID: 1071144). Algorithms developed to predict the effect of sequence changes on RNA splicing suggest that this variant may disrupt the consensus splice site. For these reasons, this variant has been classified as Pathogenic.

Literature cited by the submitters: PubMed 17548465; PubMed 24589341; PubMed 24931394.

NM_015599.3(PGM3):c.421dup (p.Ile141fs)

Gene: PGM3 (phosphoglucomutase 3; minus strand). Cytogenetic location: 6q14.1.
Variant type: Duplication.
Coding change: c.421dup on transcript NM_015599.3 (MANE Select); coding-DNA position 421, one base duplicated (A; older notation c.421dupA).
Protein change: p.Ile141fs; shifts the reading frame from isoleucine 141.
Molecular consequence: frameshift variant. On other transcripts: non-coding transcript variant (1).
Genome position (GRCh38, 1-based): chr6:83,187,044, T duplicated on the plus strand (A on the coding strand, the reverse complement: PGM3 is on the minus strand); the first of 2 consecutive T bases (chr6:83,187,044-83,187,045); duplicating either gives the same sequence. VCF-style (leftmost placement, unchanged base first): chr6-83187043-A-AT. GRCh37 (hg19) VCF-style: chr6-83896762-A-AT.
Other names: c.505dup, p.Ile169fs (NM_001199917.2, NM_001367287.1); c.178dup, p.Ile60fs (NM_001199918.2); c.421dup, p.Ile141fs (NM_001199919.2, NM_001367286.1); short protein forms I141fs, I169fs, I60fs.
Identifiers: ClinVar variation 1071144 (VCV001071144.7), dbSNP rs2128504331, ClinGen allele CA2499218586.